The following is an entry in ClinVar:

NM_006269.2(RP1):c.2876C>A (p.Thr959Lys)

Gene: RP1 (RP1 axonemal microtubule associated; plus strand). Cytogenetic location: 8q12.1.
Variant type: single nucleotide variant.
Coding change: c.2876C>A on transcript NM_006269.2 (MANE Select); coding-DNA position 2876, C replaced by A.
Protein change: p.Thr959Lys; replaces threonine 959 with lysine.
Molecular consequence: missense variant. On other transcripts: intron variant (1).
Genome position (GRCh38, 1-based): chr8:54,626,758, C>A. VCF-style: chr8-54626758-C-A. GRCh37 (hg19) VCF-style: chr8-55539318-C-A.
Other names: c.787+4470C>A (NM_001375654.1); short protein forms T959K.
Identifiers: ClinVar variation 3000784 (VCV003000784.3), dbSNP rs1225877184, ClinGen allele CA370994819.

ClinVar aggregate classification (germline): Uncertain significance (1 of 4 stars; one submission).

gnomAD v4.1: 8 of 1,613,762 alleles (0.0005%); highest among the groups gnomAD compares: Non-Finnish European, 0.00068%; no homozygotes.

Submission:

Labcorp Genetics (formerly Invitae), Labcorp
Classification: Uncertain significance. Last evaluated: 2022-10-14. Review status: criteria provided, single submitter. Criteria: Invitae Variant Classification Sherloc (09022015). Collection method: clinical testing. Allele origin: germline.
Comment: This sequence change replaces threonine, which is neutral and polar, with lysine, which is basic and polar, at codon 959 of the RP1 protein (p.Thr959Lys). This variant is present in population databases (no rsID available, gnomAD 0.0009%). This variant has not been reported in the literature in individuals affected with RP1-related conditions. Algorithms developed to predict the effect of missense changes on protein structure and function output the following: SIFT: "Tolerated"; PolyPhen-2: "Benign"; Align-GVGD: "Class C0". The lysine amino acid residue is found in multiple mammalian species, which suggests that this missense change does not adversely affect protein function. In summary, the available evidence is currently insufficient to determine the role of this variant in disease. Therefore, it has been classified as a Variant of Uncertain Significance.